The following is an entry in ClinVar:

ClinVar aggregate classification (germline): Uncertain significance (1 of 4 stars; one submission).

Conditions:
Spastic ataxia 2. Also called: Ataxia, spastic, 2, autosomal recessive. Identifiers: Orphanet 397946, MedGen C1969796, MONDO:0012651, OMIM 611302.

Allele frequency attached by ClinVar (database versions not stated): gnomAD exomes below 0.00001.
gnomAD v4.1: 1 of 1,588,338 alleles (0.000063%); highest among the groups gnomAD compares: Admixed American, 0.0018%; no homozygotes.

Submission:

Labcorp Genetics (formerly Invitae), Labcorp
Classification: Uncertain significance for Spastic ataxia 2. Last evaluated: 2024-06-03. Review status: criteria provided, single submitter. Criteria: Invitae Variant Classification Sherloc (09022015). Collection method: clinical testing. Allele origin: germline.
Comment: This sequence change replaces glutamic acid, which is acidic and polar, with valine, which is neutral and non-polar, at codon 823 of the KIF1C protein (p.Glu823Val). This variant is not present in population databases (gnomAD no frequency). This variant has not been reported in the literature in individuals affected with KIF1C-related conditions. ClinVar contains an entry for this variant (Variation ID: 2154053). An algorithm developed to predict the effect of missense changes on protein structure and function (PolyPhen-2) suggests that this variant is likely to be tolerated. In summary, the available evidence is currently insufficient to determine the role of this variant in disease. Therefore, it has been classified as a Variant of Uncertain Significance.

NM_006612.6(KIF1C):c.2468A>T (p.Glu823Val)

Gene: KIF1C (kinesin family member 1C; plus strand). Cytogenetic location: 17p13.2.
Variant type: single nucleotide variant.
Coding change: c.2468A>T on transcript NM_006612.6 (MANE Select); coding-DNA position 2468, A replaced by T.
Protein change: p.Glu823Val; replaces glutamic acid 823 with valine.
Molecular consequence: missense variant.
Genome position (GRCh38, 1-based): chr17:5,022,549, A>T. VCF-style: chr17-5022549-A-T. GRCh37 (hg19) VCF-style: chr17-4925844-A-T.
Other names: short protein forms E823V.
Identifiers: ClinVar variation 2154053 (VCV002154053.4), dbSNP rs2508214920, ClinGen allele CA397314915.